The following is an entry in ClinVar:

NM_000455.5(STK11):c.768A>T (p.Glu256Asp)

Gene: STK11 (serine/threonine kinase 11; plus strand). Cytogenetic location: 19p13.3.
Variant type: single nucleotide variant.
Coding change: c.768A>T on transcript NM_000455.5 (MANE Select); coding-DNA position 768, A replaced by T.
Protein change: p.Glu256Asp; replaces glutamic acid 256 with aspartic acid.
Molecular consequence: missense variant. On other transcripts: non-coding transcript variant (1).
Genome position (GRCh38, 1-based): chr19:1,221,246, A>T. VCF-style: chr19-1221246-A-T. GRCh37 (hg19) VCF-style: chr19-1221245-A-T.
Other names: c.768A>T, p.Glu256Asp (NM_001407255.1); short protein forms E256D.
Identifiers: ClinVar variation 4865202 (VCV004865202.1).
Genomic context (GRCh38, chr19:1,221,246, plus strand): 5'-CCTTTCTTCCCTCCCCTCGAAATGAAGCTACAACATCACCACGGGTCTGTACCCCTTCGA[A>T]GGGGACAACATCTACAAGTTGTTTGAGAACATCGGGAAGGGGAGCTACGCCATCCCGGGC-3'
Protein context (NP_000446.1, residues 246-266): YNITTGLYPF[Glu256Asp]GDNIYKLFEN

ClinVar aggregate classification (germline): Uncertain significance (1 of 4 stars; one submission).

Conditions:
Hereditary cancer-predisposing syndrome. Also called: Neoplastic Syndromes, Hereditary; Tumor predisposition; Hereditary Cancer Syndrome; Hereditary neoplastic syndrome. Identifiers: Orphanet 140162, MedGen C0027672, MeSH D009386, MONDO:0015356.

Submission:

Ambry Genetics
Classification: Uncertain significance for Hereditary cancer-predisposing syndrome. Last evaluated: 2026-04-02. Review status: criteria provided, single submitter. Criteria: Ambry Variant Classification Scheme 2023. Collection method: clinical testing. Allele origin: germline.
Comment: The p.E256D variant (also known as c.768A>T), located in coding exon 6 of the STK11 gene, results from an A to T substitution at nucleotide position 768. The glutamic acid at codon 256 is replaced by aspartic acid, an amino acid with highly similar properties. This amino acid position is conserved. In addition, this alteration is predicted to be tolerated by in silico analysis. Based on the available evidence, the clinical significance of this variant remains unclear.